The following is an entry in ClinVar:

NM_001282531.3(ADNP):c.988A>T (p.Asn330Tyr)

Gene: ADNP (activity dependent neuroprotector homeobox; minus strand). Cytogenetic location: 20q13.13.
Variant type: single nucleotide variant.
Coding change: c.988A>T on transcript NM_001282531.3 (MANE Select); coding-DNA position 988, A replaced by T.
Protein change: p.Asn330Tyr; replaces asparagine 330 with tyrosine.
Molecular consequence: missense variant.
Genome position (GRCh38, 1-based): chr20:50,893,726, T>A on the plus strand (A>T on the coding strand, the complement: ADNP is on the minus strand). VCF-style: chr20-50893726-T-A. GRCh37 (hg19) VCF-style: chr20-49510263-T-A.
Other names: c.988A>T, p.Asn330Tyr (NM_001282532.2, NM_001347511.2, NM_015339.5 and 1 more transcripts); short protein forms N330Y.
Identifiers: ClinVar variation 3774757 (VCV003774757.1).

ClinVar aggregate classification (germline): Uncertain significance (1 of 4 stars; one submission).

Submission:

GeneDx
Classification: Uncertain significance. Last evaluated: 2024-09-25. Review status: criteria provided, single submitter. Criteria: GeneDx Variant Classification Process June 2021. Collection method: clinical testing. Allele origin: germline. Affected: yes.
Comment: Not observed at significant frequency in large population cohorts (gnomAD); In silico analysis indicates that this missense variant does not alter protein structure/function; Has not been previously published as pathogenic or benign to our knowledge